The following is an entry in ClinVar:

NM_001069.3(TUBB2A):c.699G>T (p.Met233Ile)

Gene: TUBB2A (tubulin beta 2A class IIa; minus strand). Cytogenetic location: 6p25.2.
Variant type: single nucleotide variant.
Coding change: c.699G>T on transcript NM_001069.3 (MANE Select); coding-DNA position 699, G replaced by T.
Protein change: p.Met233Ile; replaces methionine 233 with isoleucine.
Molecular consequence: missense variant.
Genome position (GRCh38, 1-based): chr6:3,154,502, C>A on the plus strand (G>T on the coding strand, the complement: TUBB2A is on the minus strand). VCF-style: chr6-3154502-C-A. GRCh37 (hg19) VCF-style: chr6-3154736-C-A.
Other names: c.444G>T, p.Met148Ile (NM_001310315.2); short protein forms M148I, M233I.
Identifiers: ClinVar variation 1713684 (VCV001713684.5), dbSNP rs2533524564, ClinGen allele CA362592153.

ClinVar aggregate classification (germline): Uncertain significance (1 of 4 stars; one submission).

Submission:

Labcorp Genetics (formerly Invitae), Labcorp
Classification: Uncertain significance. Last evaluated: 2022-07-15. Review status: criteria provided, single submitter. Criteria: Invitae Variant Classification Sherloc (09022015). Collection method: clinical testing. Allele origin: germline.
Comment: This sequence change replaces methionine, which is neutral and non-polar, with isoleucine, which is neutral and non-polar, at codon 233 of the TUBB2A protein (p.Met233Ile). This variant is not present in population databases (gnomAD no frequency). This variant has not been reported in the literature in individuals affected with TUBB2A-related conditions. Algorithms developed to predict the effect of missense changes on protein structure and function are either unavailable or do not agree on the potential impact of this missense change (SIFT: "Deleterious"; PolyPhen-2: "Benign"; Align-GVGD: "Class C0"). In summary, the available evidence is currently insufficient to determine the role of this variant in disease. Therefore, it has been classified as a Variant of Uncertain Significance.